The following is an entry in ClinVar:

NM_005751.5(AKAP9):c.7474G>A (p.Gly2492Ser)

Gene: AKAP9 (A-kinase anchoring protein 9; plus strand). Cytogenetic location: 7q21.2.
Variant type: single nucleotide variant.
Coding change: c.7474G>A on transcript NM_005751.5 (MANE Select); coding-DNA position 7474, G replaced by A.
Protein change: p.Gly2492Ser; replaces glycine 2492 with serine.
Molecular consequence: missense variant.
Genome position (GRCh38, 1-based): chr7:92,079,607, G>A. VCF-style: chr7-92079607-G-A. GRCh37 (hg19) VCF-style: chr7-91708921-G-A.
Other names: c.2119G>A, p.Gly707Ser (NM_001379277.1); c.7450G>A, p.Gly2484Ser (NM_147185.3); short protein forms G2492S, G2484S, G707S.
Identifiers: ClinVar variation 457119 (VCV000457119.8), dbSNP rs769994025, ClinGen allele CA368135813.

ClinVar aggregate classification (germline): Uncertain significance (1 of 4 stars; one submission).

Conditions:
Long QT syndrome (LQTS). Identifiers: MedGen C0023976, MeSH D008133, MONDO:0002442. Disease mechanism: loss of function. Inheritance: Various modes of inheritance.

Allele frequency attached by ClinVar (database versions not stated): TOPMed below 0.00001.

Submission:

Labcorp Genetics (formerly Invitae), Labcorp
Classification: Uncertain significance for Long QT syndrome. Last evaluated: 2024-10-25. Review status: criteria provided, single submitter. Criteria: Invitae Variant Classification Sherloc (09022015). Collection method: clinical testing. Allele origin: germline.
Comment: This sequence change replaces glycine, which is neutral and non-polar, with serine, which is neutral and polar, at codon 2492 of the AKAP9 protein (p.Gly2492Ser). This variant is present in population databases (no rsID available, gnomAD 0.0009%). This variant has not been reported in the literature in individuals affected with AKAP9-related conditions. ClinVar contains an entry for this variant (Variation ID: 457119). An algorithm developed to predict the effect of missense changes on protein structure and function outputs the following: PolyPhen-2: "Benign". The serine amino acid residue is found in multiple mammalian species, which suggests that this missense change does not adversely affect protein function. In summary, the available evidence is currently insufficient to determine the role of this variant in disease. Therefore, it has been classified as a Variant of Uncertain Significance.